The following is an entry in ClinVar:

NM_005157.6(ABL1):c.3154A>C (p.Ser1052Arg)

Gene: ABL1 (ABL proto-oncogene 1, non-receptor tyrosine kinase; plus strand). Cytogenetic location: 9q34.12.
Variant type: single nucleotide variant.
Coding change: c.3154A>C on transcript NM_005157.6 (MANE Select); coding-DNA position 3154, A replaced by C.
Protein change: p.Ser1052Arg; replaces serine 1052 with arginine.
Molecular consequence: missense variant.
Genome position (GRCh38, 1-based): chr9:130,885,444, A>C. VCF-style: chr9-130885444-A-C. GRCh37 (hg19) VCF-style: chr9-133760831-A-C.
Other names: c.3211A>C, p.Ser1071Arg (NM_007313.3); short protein forms S1052R, S1071R.
Identifiers: ClinVar variation 3678251 (VCV003678251.2).

ClinVar aggregate classification (germline): Uncertain significance (1 of 4 stars; one submission).

Submission:

Labcorp Genetics (formerly Invitae), Labcorp
Classification: Uncertain significance. Last evaluated: 2025-01-12. Review status: criteria provided, single submitter. Criteria: Invitae Variant Classification Sherloc (09022015). Collection method: clinical testing. Allele origin: germline.
Comment: This sequence change replaces serine, which is neutral and polar, with arginine, which is basic and polar, at codon 1071 of the ABL1 protein (p.Ser1071Arg). This variant is not present in population databases (gnomAD no frequency). This variant has not been reported in the literature in individuals affected with ABL1-related conditions. Invitae Evidence Modeling of protein sequence and biophysical properties (such as structural, functional, and spatial information, amino acid conservation, physicochemical variation, residue mobility, and thermodynamic stability) indicates that this missense variant is not expected to disrupt ABL1 protein function with a negative predictive value of 95%. In summary, the available evidence is currently insufficient to determine the role of this variant in disease. Therefore, it has been classified as a Variant of Uncertain Significance.